The following is an entry in ClinVar:

NM_005045.4(RELN):c.528G>T (p.Gln176His)

Gene: RELN (reelin; minus strand). Cytogenetic location: 7q22.1.
Variant type: single nucleotide variant.
Coding change: c.528G>T on transcript NM_005045.4 (MANE Select); coding-DNA position 528, G replaced by T.
Protein change: p.Gln176His; replaces glutamine 176 with histidine.
Molecular consequence: missense variant.
Genome position (GRCh38, 1-based): chr7:103,776,573, C>A on the plus strand (G>T on the coding strand, the complement: RELN is on the minus strand). VCF-style: chr7-103776573-C-A. GRCh37 (hg19) VCF-style: chr7-103417020-C-A.
Other names: c.528G>T, p.Gln176His (NM_173054.3); short protein forms Q176H.
Identifiers: ClinVar variation 2936821 (VCV002936821.3), dbSNP rs1791748284, ClinGen allele CA368930508.

ClinVar aggregate classification (germline): Uncertain significance (1 of 4 stars; one submission).

Conditions:
Norman-Roberts syndrome (LIS2). Also called: Lissencephaly 2 (Norman-Roberts type). Identifiers: Orphanet 89844, MedGen C0796089, MONDO:0009760, OMIM 257320.
Familial temporal lobe epilepsy 7. Identifiers: Orphanet 101046, MedGen C4225327, MONDO:0014639, OMIM 616436.

Allele frequency attached by ClinVar (database versions not stated): TOPMed below 0.00001.

Submission:

Labcorp Genetics (formerly Invitae), Labcorp
Classification: Uncertain significance for Familial temporal lobe epilepsy 7; Norman-Roberts syndrome. Last evaluated: 2023-02-13. Review status: criteria provided, single submitter. Criteria: Invitae Variant Classification Sherloc (09022015). Collection method: clinical testing. Allele origin: germline.
Comment: This sequence change replaces glutamine, which is neutral and polar, with histidine, which is basic and polar, at codon 176 of the RELN protein (p.Gln176His). This variant is not present in population databases (gnomAD no frequency). This variant has not been reported in the literature in individuals affected with RELN-related conditions. Advanced modeling of protein sequence and biophysical properties (such as structural, functional, and spatial information, amino acid conservation, physicochemical variation, residue mobility, and thermodynamic stability) performed at Invitae indicates that this missense variant is not expected to disrupt RELN protein function. In summary, the available evidence is currently insufficient to determine the role of this variant in disease. Therefore, it has been classified as a Variant of Uncertain Significance.